The following is an entry in ClinVar:

ClinVar aggregate classification (germline): Uncertain significance. Review status: criteria provided, multiple submitters, no conflicts (2 of 4 stars). 4 submissions from 4 submitters: Uncertain significance (4). Last evaluated 2025-08-14.

Conditions:
PLEC-related disorder. Also called: PLEC-related disorders; PLEC-related condition.
Autosomal recessive limb-girdle muscular dystrophy type 2Q (LGMDR17). Also called: MUSCULAR DYSTROPHY, LIMB-GIRDLE, AUTOSOMAL RECESSIVE 17. Identifiers: Orphanet 254361, MedGen C3150989, MONDO:0013390, OMIM 613723.
Epidermolysis bullosa simplex with nail dystrophy (EBS5D). Identifiers: MedGen C4225309, MONDO:0014661, OMIM 616487.
Epidermolysis bullosa simplex 5C, with pyloric atresia (EBS5C). Also called: PLEC-Related Epidermolysis Bullosa with Pyloric Atresia; Epidermolysis bullosa simplex with pyloric atresia; PLEC1-Related Epidermolysis Bullosa with Pyloric Atresia. Identifiers: Orphanet 158684, MedGen C2677349, MONDO:0012807, OMIM 612138.
Epidermolysis bullosa simplex, Ogna type (EBS5A). Also called: Pidermolysis bullosa simplex 5A, Ogna type; EPIDERMOLYSIS BULLOSA SIMPLEX 5A, OGNA TYPE. Identifiers: Orphanet 79401, MedGen C0432317, MONDO:0007555, OMIM 131950.
Epidermolysis bullosa simplex 5B, with muscular dystrophy (EBS5B). Also called: EPIDERMOLYSIS BULLOSA SIMPLEX AND LIMB-GIRDLE MUSCULAR DYSTROPHY; Epidermolysis bullosa simplex with muscular dystrophy. Identifiers: Orphanet 257, MedGen C2931072, MONDO:0009181, OMIM 226670.
Inborn genetic diseases. Identifiers: MedGen C0950123, MeSH D030342.

Allele frequency attached by ClinVar (database versions not stated): gnomAD 0.00001 and 0.00003; TOPMed 0.00002; 1000 Genomes Project 30x 0.00016; 1000 Genomes Project 0.00020; gnomAD exomes 0.00024.
gnomAD v4.1: 139 of 1,576,944 alleles (0.0088%); highest among the groups gnomAD compares: South Asian, 0.12%; 1 homozygote.

Submissions (4):

Ambry Genetics
Classification: Uncertain significance for Inborn genetic diseases. Last evaluated: 2025-08-14. Review status: criteria provided, single submitter. Criteria: Ambry Variant Classification Scheme 2023. Collection method: clinical testing. Allele origin: germline.

PreventionGenetics, part of Exact Sciences
Classification: Uncertain significance for PLEC-related condition. Last evaluated: 2025-05-12. Review status: criteria provided, single submitter. Criteria: ACMG Guidelines, 2015. Collection method: clinical testing. Allele origin: germline.
Comment: The PLEC c.4427G>A variant is predicted to result in the amino acid substitution p.Arg1476His. To our knowledge, this variant has not been reported in the literature. This variant is reported in 0.14% of alleles in individuals of South Asian descent in gnomAD. Although we suspect that this variant may be benign, at this time, the clinical significance of this variant is uncertain due to the absence of conclusive functional and genetic evidence.

Labcorp Genetics (formerly Invitae), Labcorp
Classification: Uncertain significance for Autosomal recessive limb-girdle muscular dystrophy type 2Q; Epidermolysis bullosa simplex, Ogna type; Epidermolysis bullosa simplex with nail dystrophy; Epidermolysis bullosa simplex 5C, with pyloric atresia; Epidermolysis bullosa simplex 5B, with muscular dystrophy. Last evaluated: 2023-08-10. Review status: criteria provided, single submitter. Criteria: Invitae Variant Classification Sherloc (09022015). Collection method: clinical testing. Allele origin: germline.
Comment: This sequence change replaces arginine, which is basic and polar, with histidine, which is basic and polar, at codon 1476 of the PLEC protein (p.Arg1476His). In summary, the available evidence is currently insufficient to determine the role of this variant in disease. Therefore, it has been classified as a Variant of Uncertain Significance. Experimental studies and prediction algorithms are not available or were not evaluated, and the functional significance of this variant is currently unknown. ClinVar contains an entry for this variant (Variation ID: 448070). This variant has not been reported in the literature in individuals affected with PLEC-related conditions. This variant is present in population databases (rs561225406, gnomAD 0.1%), including at least one homozygous and/or hemizygous individual.

Athena Diagnostics
Classification: Uncertain significance. Last evaluated: 2017-06-26. Review status: criteria provided, single submitter. Criteria: Athena Diagnostics Criteria. Collection method: clinical testing. Allele origin: germline.

NM_201384.3(PLEC):c.4346G>A (p.Arg1449His)

Gene: PLEC (plectin; minus strand). Cytogenetic location: 8q24.3.
Variant type: single nucleotide variant.
Coding change: c.4346G>A on transcript NM_201384.3 (MANE Select); coding-DNA position 4346, G replaced by A.
Protein change: p.Arg1449His; replaces arginine 1449 with histidine.
Molecular consequence: missense variant.
Genome position (GRCh38, 1-based): chr8:143,925,583, C>T on the plus strand (G>A on the coding strand, the complement: PLEC is on the minus strand). VCF-style: chr8-143925583-C-T. GRCh37 (hg19) VCF-style: chr8-144999751-C-T.
Other names: c.4427G>A, p.Arg1476His (NM_000445.5); c.4304G>A, p.Arg1435His (NM_201378.4); c.4280G>A, p.Arg1427His (NM_201379.3); c.4757G>A, p.Arg1586His (NM_201380.4); c.4250G>A, p.Arg1417His (NM_201381.3); c.4346G>A, p.Arg1449His (NM_201382.4); c.4358G>A, p.Arg1453His (NM_201383.3); short protein forms R1417H, R1427H, R1435H, R1449H, R1453H, R1476H, R1586H.
Identifiers: ClinVar variation 448070 (VCV000448070.8), dbSNP rs561225406, ClinGen allele CA4926694.